The following is an entry in ClinVar:

ClinVar aggregate classification (germline): Uncertain significance. Review status: criteria provided, multiple submitters, no conflicts (2 of 4 stars). 2 submissions from 2 submitters: Uncertain significance (2). Last evaluated 2022-01-31.

Conditions:
Hereditary cancer-predisposing syndrome. Also called: Tumor predisposition; Hereditary Cancer Syndrome; Neoplastic Syndromes, Hereditary; Hereditary neoplastic syndrome. Identifiers: Orphanet 140162, MedGen C0027672, MeSH D009386, MONDO:0015356.
Familial cancer of breast. Also called: BREAST CANCER, FAMILIAL; Hereditary breast cancer; hereditary breast carcinoma. Identifiers: Orphanet 227535, MedGen C0346153, MONDO:0016419, OMIM 114480. Disease mechanism: loss of function.

Submissions (2):

Ambry Genetics
Classification: Uncertain significance for Hereditary cancer-predisposing syndrome. Last evaluated: 2022-01-31. Review status: criteria provided, single submitter. Criteria: Ambry Variant Classification Scheme 2023. Collection method: clinical testing. Allele origin: germline.
Comment: The p.H371P variant (also known as c.1112A>C), located in coding exon 10 of the CHEK2 gene, results from an A to C substitution at nucleotide position 1112. The histidine at codon 371 is replaced by proline, an amino acid with similar properties. This amino acid position is poorly conserved in available vertebrate species. In addition, the in silico prediction for this alteration is inconclusive. Since supporting evidence is limited at this time, the clinical significance of this alteration remains unclear.

Labcorp Genetics (formerly Invitae), Labcorp
Classification: Uncertain significance for Familial cancer of breast. Last evaluated: 2021-09-07. Review status: criteria provided, single submitter. Criteria: Invitae Variant Classification Sherloc (09022015). Collection method: clinical testing. Allele origin: germline.
Comment: This sequence change replaces histidine with proline at codon 371 of the CHEK2 protein (p.His371Pro). The histidine residue is weakly conserved and there is a moderate physicochemical difference between histidine and proline. This variant is not present in population databases (ExAC no frequency). This variant has not been reported in the literature in individuals affected with CHEK2-related conditions. ClinVar contains an entry for this variant (Variation ID: 822201). Algorithms developed to predict the effect of missense changes on protein structure and function are either unavailable or do not agree on the potential impact of this missense change (SIFT: "Deleterious"; PolyPhen-2: "Benign"; Align-GVGD: "Class C0"). In summary, the available evidence is currently insufficient to determine the role of this variant in disease. Therefore, it has been classified as a Variant of Uncertain Significance.

NM_007194.4(CHEK2):c.1112A>C (p.His371Pro)

Gene: CHEK2 (checkpoint kinase 2; minus strand). Cytogenetic location: 22q12.1.
Variant type: single nucleotide variant.
Coding change: c.1112A>C on transcript NM_007194.4 (MANE Select); coding-DNA position 1112, A replaced by C.
Protein change: p.His371Pro; replaces histidine 371 with proline.
Molecular consequence: missense variant.
Genome position (GRCh38, 1-based): chr22:28,695,857, T>G on the plus strand (A>C on the coding strand, the complement: CHEK2 is on the minus strand). VCF-style: chr22-28695857-T-G. GRCh37 (hg19) VCF-style: chr22-29091845-T-G.
Other names: c.1241A>C, p.His414Pro (NM_001005735.3); c.449A>C, p.His150Pro (NM_001257387.3); c.911A>C, p.His304Pro (NM_001349956.3); c.1025A>C, p.His342Pro (NM_145862.3); short protein forms H342P, H150P, H371P, H304P, H414P.
Identifiers: ClinVar variation 822201 (VCV000822201.11), dbSNP rs1601723545, ClinGen allele CA411097117.